The following is an entry in ClinVar:

NM_000059.4(BRCA2):c.7547C>T (p.Ser2516Phe)

Gene: BRCA2 (BRCA2 DNA repair associated; plus strand). Cytogenetic location: 13q13.1.
Variant type: single nucleotide variant.
Coding change: c.7547C>T on transcript NM_000059.4 (MANE Select); coding-DNA position 7547, C replaced by T.
Protein change: p.Ser2516Phe; replaces serine 2516 with phenylalanine.
Molecular consequence: missense variant.
Genome position (GRCh38, 1-based): chr13:32,356,539, C>T. VCF-style: chr13-32356539-C-T. GRCh37 (hg19) VCF-style: chr13-32930676-C-T.
Other names: short protein forms S2516F.
Identifiers: ClinVar variation 232863 (VCV000232863.26), dbSNP rs571800995, ClinGen allele CA6941107.
Genomic context (GRCh38, chr13:32,356,539, plus strand): 5'-AGAAGAAACAAAGGCAACGCGTCTTTCCACAGCCAGGCAGTCTGTATCTTGCAAAAACAT[C>T]CACTCTGCCTCGAATCTCTCTGAAAGCAGCAGTAGGAGGCCAAGTTCCCTCTGCGTGTTC-3'
Protein context (NP_000050.3, residues 2506-2526): QPGSLYLAKT[Ser2516Phe]TLPRISLKAA

ClinVar aggregate classification (germline): Conflicting classifications of pathogenicity. Review status: criteria provided, conflicting classifications (1 of 4 stars). 8 submissions from 8 submitters: Uncertain significance (4); Likely benign (3). 1 of the submissions does not count toward it. Last evaluated 2026-03-17.

Conditions:
BRCA2-related cancer predisposition. Identifiers: MedGen CN377758, MONDO:0700269.
Hereditary cancer-predisposing syndrome. Also called: Tumor predisposition; Neoplastic Syndromes, Hereditary; Hereditary Cancer Syndrome; Hereditary neoplastic syndrome. Identifiers: Orphanet 140162, MedGen C0027672, MeSH D009386, MONDO:0015356.
Hereditary breast ovarian cancer syndrome. Also called: Hereditary breast and ovarian cancer; Hereditary breast and/or ovarian cancer syndrome; Hereditary breast and ovarian cancer syndrome (HBOC); Hereditary breast and ovarian cancer syndrome; Breast and ovarian cancer; BRCA1- and BRCA2-Associated Hereditary Breast and Ovarian Cancer. Identifiers: Orphanet 145, MedGen C0677776, MeSH D061325, MONDO:0003582. Disease mechanism: loss of function.
Breast-ovarian cancer, familial, susceptibility to, 2 (BROVCA2). Also called: BRCA2 Hereditary Breast and Ovarian Cancer. Identifiers: Orphanet 145, MedGen C2675520, MONDO:0012933, OMIM 612555. Disease mechanism: loss of function.

Allele frequency attached by ClinVar (database versions not stated): gnomAD below 0.00001 and 0.00001; ExAC 0.00005; gnomAD exomes 0.00005; 1000 Genomes Project 30x 0.00016; 1000 Genomes Project 0.00020.
gnomAD v4.1: 38 of 1,614,212 alleles (0.0024%); highest among the groups gnomAD compares: South Asian, 0.041%; no homozygotes.

Submissions (8):

Women's Health and Genetics/Laboratory Corporation of America, LabCorp
Classification: Likely benign. Last evaluated: 2026-03-17. Review status: criteria provided, single submitter. Criteria: LabCorp Variant Classification Summary - May 2015. Collection method: clinical testing. Allele origin: germline.
Comment: Variant summary: BRCA2 c.7547C>T (p.Ser2516Phe) results in a non-conservative amino acid change in the encoded protein sequence. Algorithms developed to predict the effect of missense changes on protein structure and function all suggest that this variant is likely to be disruptive. The variant allele was found at a frequency of 4.8e-05 in 251282 control chromosomes. This frequency is not significantly higher than estimated for disease-causing variants in BRCA2, allowing no conclusion about variant significance. c.7547C>T has been observed in individual(s) affected with breast cancer without evidence for causality (e.g. John_2024) and in one control in a breast cancer case-control study (e.g. Wen_2017). These report(s) do not provide unequivocal conclusions about association of the variant with Hereditary Breast And Ovarian Cancer Syndrome. At least one publication reports experimental evidence evaluating an impact on protein function with HDR assay showing no damaging effect of this variant (e.g. Hu_2024). The following publications have been ascertained in the context of this evaluation (PMID: 38417439, 38538877, 28993434). ClinVar contains an entry for this variant (Variation ID: 232863). Based on the evidence outlined above, the variant was classified as likely benign.

Labcorp Genetics (formerly Invitae), Labcorp
Classification: Likely benign for Hereditary breast ovarian cancer syndrome. Last evaluated: 2026-01-24. Review status: criteria provided, single submitter. Criteria: Invitae Variant Classification Sherloc (09022015). Collection method: clinical testing. Allele origin: germline.

All of Us Research Program, National Institutes of Health
Classification: Uncertain significance for BRCA2-related cancer predisposition. Last evaluated: 2024-02-22. Review status: criteria provided, single submitter. Criteria: ACMG Guidelines, 2015. Collection method: clinical testing. Allele origin: germline. Inheritance: Autosomal dominant inheritance. Observed: 2 variant alleles, 2 heterozygotes.
Comment: This missense variant replaces serine with phenylalanine at codon 2516 of the BRCA2 protein. Computational prediction is inconclusive regarding the impact of this variant on protein structure and function (internally defined REVEL score threshold 0.5 < inconclusive < 0.7, PMID: 27666373). To our knowledge, functional studies have not been reported for this variant. This variant has been reported in an individual affected with breast cancer and an unaffected individual (PMID: 28993434, 33471991; Leiden Open Variation Database DB-ID BRCA2_005909). This variant has been identified in 12/251282 chromosomes in the general population by the Genome Aggregation Database (gnomAD). The available evidence is insufficient to determine the role of this variant in disease conclusively. Therefore, this variant is classified as a Variant of Uncertain Significance.

This study involves interpretation of variants in research participants for the purpose of population health screening. Participant phenotype was not available at the time of variant classification. Additional details can be found in publication PMID: 35346344, PMCID: PMC8962531

Color Diagnostics, LLC DBA Color Health
Classification: Uncertain significance for Hereditary cancer-predisposing syndrome. Last evaluated: 2023-02-21. Review status: criteria provided, single submitter. Criteria: ACMG Guidelines, 2015. Collection method: clinical testing. Allele origin: germline.
Comment: This missense variant replaces serine with phenylalanine at codon 2516 of the BRCA2 protein. Computational prediction is inconclusive regarding the impact of this variant on protein structure and function (internally defined REVEL score threshold 0.5 < inconclusive < 0.7, PMID: 27666373). To our knowledge, functional studies have not been reported for this variant. This variant has been reported in an individual affected with breast cancer and an unaffected individual (PMID: 28993434, 33471991; Leiden Open Variation Database DB-ID BRCA2_005909). This variant has been identified in 12/251282 chromosomes in the general population by the Genome Aggregation Database (gnomAD). The available evidence is insufficient to determine the role of this variant in disease conclusively. Therefore, this variant is classified as a Variant of Uncertain Significance.

Ambry Genetics
Classification: Likely benign for Hereditary cancer-predisposing syndrome. Last evaluated: 2021-04-22. Review status: criteria provided, single submitter. Criteria: Ambry Variant Classification Scheme 2023. Collection method: clinical testing. Allele origin: germline.

Quest Diagnostics Nichols Institute San Juan Capistrano
Classification: Uncertain significance. Last evaluated: 2016-10-10. Review status: criteria provided, single submitter. Criteria: Quest Diagnostics criteria. Collection method: clinical testing. Allele origin: germline.

Molecular Endocrinology Laboratory, Christian Medical College
Classification: Uncertain significance for Breast-ovarian cancer, familial, susceptibility to, 2. Review status: criteria provided, single submitter. Criteria: ACMG Guidelines, 2015. Collection method: clinical testing. Allele origin: germline. Affected: yes.

Counsyl
Classification: Uncertain significance for Breast-ovarian cancer, familial, susceptibility to, 2. Last evaluated: 2018-01-04. Review status: no assertion criteria provided. Collection method: clinical testing. Allele origin: unknown. Not counted in ClinVar's aggregate classification.

Literature cited by the submitters: PubMed 28993434 (cited by 5 submitters); PubMed 38417439 (cited by Women's Health and Genetics/Laboratory Corporation of America, LabCorp); PubMed 38538877 (cited by Women's Health and Genetics/Laboratory Corporation of America, LabCorp); PubMed 33471991 (cited by 3 submitters).